The following is an entry in ClinVar:

ClinVar aggregate classification (germline): Uncertain significance (1 of 4 stars; one submission).

Conditions:
Familial thoracic aortic aneurysm and aortic dissection (TAAD). Also called: Thoracic aortic aneurysms and dissections. Identifiers: Orphanet 91387, MedGen C4707243, MONDO:0019625.

gnomAD v4.1: 1 of 1,614,058 alleles (0.000062%); highest among the groups gnomAD compares: Admixed American, 0.0017%; no homozygotes.

Submission:

Ambry Genetics
Classification: Uncertain significance for Familial thoracic aortic aneurysm and aortic dissection. Last evaluated: 2026-08-05. Review status: criteria provided, single submitter. Criteria: Ambry Variant Classification Scheme 2023. Collection method: clinical testing. Allele origin: germline.
Comment: The c.1367G>C (p.G456A) alteration is located in exon 21 (coding exon 21) of the COL5A2 gene. This alteration results from a G to C substitution at nucleotide position 1367, causing the glycine (G) at amino acid position 456 to be replaced by an alanine (A). Based on data from gnomAD, the C allele has an overall frequency of <0.001% (1/251170) total alleles studied. The highest observed frequency was 0.003% (1/34534) of Latino alleles. Based on insufficient or conflicting evidence, the clinical significance of this alteration remains unclear.

NM_000393.5(COL5A2):c.1367G>C (p.Gly456Ala)

Gene: COL5A2 (collagen type V alpha 2 chain; minus strand). Cytogenetic location: 2q32.2.
Variant type: single nucleotide variant.
Coding change: c.1367G>C on transcript NM_000393.5 (MANE Select); coding-DNA position 1367, G replaced by C.
Protein change: p.Gly456Ala; replaces glycine 456 with alanine.
Molecular consequence: missense variant.
Genome position (GRCh38, 1-based): chr2:189,068,049, C>G on the plus strand (G>C on the coding strand, the complement: COL5A2 is on the minus strand). VCF-style: chr2-189068049-C-G. GRCh37 (hg19) VCF-style: chr2-189932775-C-G.
Other names: short protein forms G456A.
Identifiers: ClinVar variation 5034845 (VCV005034845.1).